The following is an entry in ClinVar:

NM_016123.4(IRAK4):c.447CTC[1] (p.Ser152del)

Gene: IRAK4 (interleukin 1 receptor associated kinase 4; plus strand). Cytogenetic location: 12q12.
Variant type: Microsatellite.
Coding change: c.447CTC[1] on transcript NM_016123.4 (MANE Select); one copy of the 3-base unit CTC starting at c.447; the reference has two copies in a row; one copy, 3 bases deleted.
Protein change: p.Ser152del; deletes serine 152.
Molecular consequence: inframe deletion. On other transcripts: 5 prime UTR variant (2).
Genome position (GRCh38, 1-based): chr12:43,772,322-43,772,324, CTC deleted; deleting any 3 consecutive bases within chr12:43,772,319-43,772,324 gives the same sequence; the position shown is the placement nearest the transcript's 3' end. VCF-style (leftmost placement, unchanged base first): chr12-43772318-ACTC-A. GRCh37 (hg19) VCF-style: chr12-44166121-ACTC-A.
Other names: c.447CTC[1], p.Ser152del (NM_001114182.3, NM_001351345.2); c.75CTC[1], p.Ser28del (NM_001145256.2, NM_001145257.2, NM_001145258.2 and 5 more transcripts); c.-77CTC[1] (NM_001351343.2, NM_001351344.2); short protein forms S152del, S28del.
Identifiers: ClinVar variation 1001040 (VCV001001040.6), dbSNP rs556809469, ClinGen allele CA6522365.

ClinVar aggregate classification (germline): Uncertain significance (1 of 4 stars; one submission).

Conditions:
Immunodeficiency 67. Also called: Immunodeficiency due to interleukin-1 receptor-associated kinase-4 deficiency. Identifiers: Orphanet 70592, MedGen C1843256, MONDO:0011888, OMIM 607676.

Submission:

Labcorp Genetics (formerly Invitae), Labcorp
Classification: Uncertain significance for Immunodeficiency 67. Last evaluated: 2022-07-31. Review status: criteria provided, single submitter. Criteria: Invitae Variant Classification Sherloc (09022015). Collection method: clinical testing. Allele origin: germline.
Comment: This variant, c.450_452del, results in the deletion of 1 amino acid(s) of the IRAK4 protein (p.Ser152del), but otherwise preserves the integrity of the reading frame. This variant is present in population databases (rs556809469, gnomAD 0.2%), including at least one homozygous and/or hemizygous individual. This variant has not been reported in the literature in individuals affected with IRAK4-related conditions. Experimental studies and prediction algorithms are not available or were not evaluated, and the functional significance of this variant is currently unknown. In summary, the available evidence is currently insufficient to determine the role of this variant in disease. Therefore, it has been classified as a Variant of Uncertain Significance.